The following is an entry in ClinVar:

NM_000815.5(GABRD):c.71C>T (p.Ala24Val)

Gene: GABRD (gamma-aminobutyric acid type A receptor subunit delta; plus strand). Cytogenetic location: 1p36.33.
Variant type: single nucleotide variant.
Coding change: c.71C>T on transcript NM_000815.5 (MANE Select); coding-DNA position 71, C replaced by T.
Protein change: p.Ala24Val; replaces alanine 24 with valine.
Molecular consequence: missense variant.
Genome position (GRCh38, 1-based): chr1:2,024,944, C>T. VCF-style: chr1-2024944-C-T. GRCh37 (hg19) VCF-style: chr1-1956383-C-T.
Other names: c.71C>T (NM_000815.4); short protein forms A24V.
Identifiers: ClinVar variation 1011229 (VCV001011229.9), dbSNP rs748341188, ClinGen allele CA534508.
Genomic context (GRCh38, chr1:2,024,944, plus strand): 5'-GGCTCAGTGGAATTAAATTAAGTCCTGGCCTGTCTGACCGGTGGCTTTGCATCCCCAGAG[C>T]GATGAATGACATCGGCGACTACGTGGGCTCCAACCTGGAGATCTCCTGGCTCCCCAACCT-3'
Protein context (NP_000806.2, residues 14-34): LCAQQLRGTR[Ala24Val]MNDIGDYVGS

ClinVar aggregate classification (germline): Uncertain significance. Review status: criteria provided, multiple submitters, no conflicts (2 of 4 stars). 2 submissions from 2 submitters: Uncertain significance (2). Last evaluated 2024-01-16.

Conditions:
Idiopathic generalized epilepsy. Also called: Generalised epilepsy; EIG. Identifiers: MedGen C0270850, MONDO:0005579, OMIM 600669.
Inborn genetic diseases. Identifiers: MedGen C0950123, MeSH D030342.

Allele frequency attached by ClinVar (database versions not stated): gnomAD 0.00001 and 0.00002; gnomAD exomes 0.00004; ExAC 0.00005; TOPMed 0.00007.
gnomAD v4.1: 54 of 1,607,814 alleles (0.0034%); highest among the groups gnomAD compares: Middle Eastern, 0.017%; no homozygotes.

Submissions (2):

Ambry Genetics
Classification: Uncertain significance for Inborn genetic diseases. Last evaluated: 2024-01-16. Review status: criteria provided, single submitter. Criteria: Ambry Variant Classification Scheme 2023. Collection method: clinical testing. Allele origin: germline.

Labcorp Genetics (formerly Invitae), Labcorp
Classification: Uncertain significance for Idiopathic generalized epilepsy. Last evaluated: 2023-02-04. Review status: criteria provided, single submitter. Criteria: Invitae Variant Classification Sherloc (09022015). Collection method: clinical testing. Allele origin: germline.
Comment: This sequence change replaces alanine, which is neutral and non-polar, with valine, which is neutral and non-polar, at codon 24 of the GABRD protein (p.Ala24Val). This variant is present in population databases (rs748341188, gnomAD 0.02%). This variant has not been reported in the literature in individuals affected with GABRD-related conditions. ClinVar contains an entry for this variant (Variation ID: 1011229). Algorithms developed to predict the effect of missense changes on protein structure and function are either unavailable or do not agree on the potential impact of this missense change (SIFT: "Tolerated"; PolyPhen-2: "Probably Damaging"; Align-GVGD: "Class C0"). In summary, the available evidence is currently insufficient to determine the role of this variant in disease. Therefore, it has been classified as a Variant of Uncertain Significance.